The following is an entry in ClinVar:

ClinVar aggregate classification (germline): Uncertain significance (1 of 4 stars; one submission).

Conditions:
Retinitis pigmentosa 13 (RP13). Also called: PRPF 8-Related Retinitis Pigmentosa. Identifiers: Orphanet 791, MedGen C1838702, MONDO:0010806, OMIM 600059.

Allele frequency attached by ClinVar (database versions not stated): gnomAD exomes below 0.00001; gnomAD 0.00001.

Submission:

Ocular Genomics Institute, Massachusetts Eye and Ear
Classification: Uncertain significance for Retinitis pigmentosa 13. Last evaluated: 2021-04-08. Review status: criteria provided, single submitter. Criteria: ACMG Guidelines, 2015. Collection method: research. Allele origin: germline. Affected: yes.
Comment: Through a review of available evidence we were able to apply the following criteria: PM2. Based on this evidence we have classified this variant as Variant of Uncertain Significance.

NM_006445.4(PRPF8):c.6967G>T (p.Gly2323Trp)

Gene: PRPF8 (pre-mRNA processing factor 8; minus strand). Cytogenetic location: 17p13.3.
Variant type: single nucleotide variant.
Coding change: c.6967G>T on transcript NM_006445.4 (MANE Select); coding-DNA position 6967, G replaced by T.
Protein change: p.Gly2323Trp; replaces glycine 2323 with tryptophan.
Molecular consequence: missense variant.
Genome position (GRCh38, 1-based): chr17:1,650,843, C>A on the plus strand (G>T on the coding strand, the complement: PRPF8 is on the minus strand). VCF-style: chr17-1650843-C-A. GRCh37 (hg19) VCF-style: chr17-1554137-C-A.
Other names: short protein forms G2323W.
Identifiers: ClinVar variation 1065678 (VCV001065678.1), dbSNP rs1910997588, ClinGen allele CA397561825.